The following is an entry in ClinVar:

NM_000278.5(PAX2):c.656G>A (p.Ser219Asn)

Gene: PAX2 (paired box 2; plus strand). Cytogenetic location: 10q24.31.
Variant type: single nucleotide variant.
Coding change: c.656G>A on transcript NM_000278.5 (MANE Select); coding-DNA position 656, G replaced by A.
Protein change: p.Ser219Asn; replaces serine 219 with asparagine.
Molecular consequence: missense variant.
Genome position (GRCh38, 1-based): chr10:100,806,469, G>A. VCF-style: chr10-100806469-G-A. GRCh37 (hg19) VCF-style: chr10-102566226-G-A.
Other names: c.725G>A, p.Ser242Asn (NM_003987.5, NM_003990.5); c.656G>A, p.Ser219Asn (NM_003988.5, NM_003989.5); c.725G>A (NM_003990.3); c.749G>A, p.Ser250Asn (NM_001304569.2); short protein forms S250N, S219N, S242N.
Identifiers: ClinVar variation 1499630 (VCV001499630.9), dbSNP rs200491094, ClinGen allele CA5650824.
Genomic context (GRCh38, chr10:100,806,469, plus strand): 5'-GAGTGTCCATGTGTTCTCCAGATGTGTCTGAGGGCTCAGTCCCCAATGGAGATTCCCAGA[G>A]TGGTGTGGACAGTTTGCGGAAGCACTTGCGAGCTGACACCTTCACCCAGCAGCAGCTGGA-3'
Protein context (NP_000269.3, residues 209-229): EGSVPNGDSQ[Ser219Asn]GVDSLRKHLR

ClinVar aggregate classification (germline): Uncertain significance. Review status: criteria provided, multiple submitters, no conflicts (2 of 4 stars). 2 submissions from 2 submitters: Uncertain significance (2). Last evaluated 2025-03-22.

Conditions:
Renal coloboma syndrome (PAPRS). Also called: COLOBOMA OF OPTIC NERVE WITH RENAL DISEASE; CONGENITAL ANOMALIES OF THE KIDNEY AND URINARY TRACT WITH OR WITHOUT OCULAR ABNORMALITIES; CAKUT WITH OR WITHOUT OCULAR ABNORMALITIES; OPTIC COLOBOMA, VESICOURETERAL REFLUX, AND RENAL ANOMALIES; OPTIC NERVE COLOBOMA WITH RENAL DISEASE; RENAL-COLOBOMA SYNDROME WITH MACULAR ABNORMALITIES. Identifiers: Orphanet 1475, MedGen C1852759, MONDO:0007352, OMIM 120330.
Focal segmental glomerulosclerosis 7 (FSGS7). Identifiers: Orphanet 656, MedGen C4014925, MONDO:0014451, OMIM 616002.

Allele frequency attached by ClinVar (database versions not stated): ExAC 0.00005; 1000 Genomes Project 30x 0.00016; 1000 Genomes Project 0.00020.
gnomAD v4.1: 39 of 1,614,228 alleles (0.0024%); highest among the groups gnomAD compares: East Asian, 0.065%; no homozygotes.

Submissions (2):

Labcorp Genetics (formerly Invitae), Labcorp
Classification: Uncertain significance for Renal coloboma syndrome; Focal segmental glomerulosclerosis 7. Last evaluated: 2025-03-22. Review status: criteria provided, single submitter. Criteria: Invitae Variant Classification Sherloc (09022015). Collection method: clinical testing. Allele origin: germline.
Comment: This sequence change replaces serine, which is neutral and polar, with asparagine, which is neutral and polar, at codon 219 of the PAX2 protein (p.Ser219Asn). This variant is present in population databases (rs200491094, gnomAD 0.07%), and has an allele count higher than expected for a pathogenic variant. This variant has not been reported in the literature in individuals affected with PAX2-related conditions. ClinVar contains an entry for this variant (Variation ID: 1499630). An algorithm developed to predict the effect of missense changes on protein structure and function (PolyPhen-2) suggests that this variant is likely to be disruptive. In summary, the available evidence is currently insufficient to determine the role of this variant in disease. Therefore, it has been classified as a Variant of Uncertain Significance.

GeneDx
Classification: Uncertain significance. Last evaluated: 2023-01-15. Review status: criteria provided, single submitter. Criteria: GeneDx Variant Classification Process June 2021. Collection method: clinical testing. Allele origin: germline. Affected: yes.
Comment: In silico analysis supports that this missense variant does not alter protein structure/function; Has been observed in a patient with recurrent painless hematuria and left renal vein entrapment (LRVE) with a normal renal structure/function; this patient's symptoms were releived with conservative treament which lead the authors to suggest that the LRVE, rather than the PAX2 variant, was the cause of the hematuria (Xiong et al., 2022); This variant is associated with the following publications: (PMID: 35444690)